The following is an entry in ClinVar:

ClinVar aggregate classification (germline): Pathogenic (1 of 4 stars; one submission).

Conditions:
TRPV4-related bone disorder. Identifiers: Orphanet 364820, MedGen C5680977, MONDO:0018240.

Submission:

Illumina Laboratory Services, Illumina
Classification: Pathogenic for TRPV4-related bone disorder. Last evaluated: 2021-10-13. Review status: criteria provided, single submitter. Criteria: ICSLVariantClassificationCriteria RUGD 01 April 2020. Collection method: clinical testing. Allele origin: unknown.
Comment: The p.Pro82Leu variant was absent from 50 control subjects and is not reported in version 2.1.1 or version 3.1.1 of the Genome Aggregation Database despite its location in a region of good sequencing coverage, which suggests the variant is rare. Multiple lines of computational evidence support a deleterious effect of the variant on the gene or protein. Based on the available evidence, the p.Pro82Leu variant is classified as pathogenic for TRPV4-related bone disorder.

Literature cited by the submitters: PubMed 31947737.

NM_021625.5(TRPV4):c.245C>T (p.Pro82Leu)

Gene: TRPV4 (transient receptor potential cation channel subfamily V member 4; minus strand). Cytogenetic location: 12q24.11.
Variant type: single nucleotide variant.
Coding change: c.245C>T on transcript NM_021625.5 (MANE Select); coding-DNA position 245, C replaced by T.
Protein change: p.Pro82Leu; replaces proline 82 with leucine.
Molecular consequence: missense variant.
Genome position (GRCh38, 1-based): chr12:109,814,552, G>A on the plus strand (C>T on the coding strand, the complement: TRPV4 is on the minus strand). VCF-style: chr12-109814552-G-A. GRCh37 (hg19) VCF-style: chr12-110252357-G-A.
Other names: c.245C>T, p.Pro82Leu (NM_001177428.2, NM_001177433.2, NM_147204.3); c.143C>T, p.Pro48Leu (NM_001177431.2); short protein forms P48L, P82L.
Identifiers: ClinVar variation 1328137 (VCV001328137.4), dbSNP rs767079858, ClinGen allele CA386660515.